The following is an entry in ClinVar:

NM_000368.5(TSC1):c.3454C>T (p.His1152Tyr)

Gene: TSC1 (TSC complex subunit 1; minus strand). Cytogenetic location: 9q34.13.
Variant type: single nucleotide variant.
Coding change: c.3454C>T on transcript NM_000368.5 (MANE Select); coding-DNA position 3454, C replaced by T.
Protein change: p.His1152Tyr; replaces histidine 1152 with tyrosine.
Molecular consequence: missense variant.
Genome position (GRCh38, 1-based): chr9:132,896,276, G>A on the plus strand (C>T on the coding strand, the complement: TSC1 is on the minus strand). VCF-style: chr9-132896276-G-A. GRCh37 (hg19) VCF-style: chr9-135771663-G-A.
Other names: c.3451C>T, p.His1151Tyr (NM_001162426.2); c.3301C>T, p.His1101Tyr (NM_001162427.2); c.3091C>T, p.His1031Tyr (NM_001362177.2); c.3454C>T (NM_000368.4); short protein forms H1031Y, H1101Y, H1151Y, H1152Y.
Identifiers: ClinVar variation 1027177 (VCV001027177.9), dbSNP rs1845025129, ClinGen allele CA375366344.

ClinVar aggregate classification (germline): Uncertain significance. Review status: criteria provided, multiple submitters, no conflicts (2 of 4 stars). 2 submissions from 2 submitters: Uncertain significance (2). Last evaluated 2026-03-23.

Conditions:
Hereditary cancer-predisposing syndrome. Also called: Hereditary neoplastic syndrome; Neoplastic Syndromes, Hereditary; Tumor predisposition; Hereditary Cancer Syndrome. Identifiers: Orphanet 140162, MedGen C0027672, MeSH D009386, MONDO:0015356.
Tuberous sclerosis 1 (TSC1). Identifiers: Orphanet 805, MedGen C1854465, MONDO:0008612, OMIM 191100.

Allele frequency attached by ClinVar (database versions not stated): gnomAD exomes below 0.00001.
gnomAD v4.1: 1 of 1,614,184 alleles (0.000062%); highest among the groups gnomAD compares: African/African-American, 0.0013%; no homozygotes.

Submissions (2):

Ambry Genetics
Classification: Uncertain significance for Hereditary cancer-predisposing syndrome. Last evaluated: 2026-03-23. Review status: criteria provided, single submitter. Criteria: Ambry Variant Classification Scheme 2023. Collection method: clinical testing. Allele origin: germline.
Comment: The p.H1152Y variant (also known as c.3454C>T), located in coding exon 21 of the TSC1 gene, results from a C to T substitution at nucleotide position 3454. The histidine at codon 1152 is replaced by tyrosine, an amino acid with similar properties. This amino acid position is conserved. In addition, this alteration is predicted to be tolerated by in silico analysis. Based on the available evidence, the clinical significance of this variant remains unclear.

Labcorp Genetics (formerly Invitae), Labcorp
Classification: Uncertain significance for Tuberous sclerosis 1. Last evaluated: 2024-04-29. Review status: criteria provided, single submitter. Criteria: Invitae Variant Classification Sherloc (09022015). Collection method: clinical testing. Allele origin: germline.
Comment: This sequence change replaces histidine, which is basic and polar, with tyrosine, which is neutral and polar, at codon 1152 of the TSC1 protein (p.His1152Tyr). This variant is not present in population databases (gnomAD no frequency). This variant has not been reported in the literature in individuals affected with TSC1-related conditions. ClinVar contains an entry for this variant (Variation ID: 1027177). Advanced modeling of protein sequence and biophysical properties (such as structural, functional, and spatial information, amino acid conservation, physicochemical variation, residue mobility, and thermodynamic stability) performed at Invitae indicates that this missense variant is not expected to disrupt TSC1 protein function with a negative predictive value of 95%. In summary, the available evidence is currently insufficient to determine the role of this variant in disease. Therefore, it has been classified as a Variant of Uncertain Significance.